The following is an entry in ClinVar:

ClinVar aggregate classification (germline): Uncertain significance. Review status: criteria provided, multiple submitters, no conflicts (2 of 4 stars). 3 submissions from 3 submitters: Uncertain significance (3). Last evaluated 2025-04-14.

Conditions:
Ehlers-Danlos syndrome, type 4 (EDSVASC). Also called: Ehlers-Danlos syndrome vascular type; Ehlers Danlos syndrome, ecchymotic type; Ehlers Danlos syndrome, arterial type; Ehlers Danlos syndrome, Sack-Barabas type; Ehlers-Danlos Syndrome Type IV. Identifiers: Orphanet 286, MedGen C0268338, MONDO:0017314, OMIM 130050.
Familial thoracic aortic aneurysm and aortic dissection (TAAD). Also called: Thoracic aortic aneurysms and dissections. Identifiers: Orphanet 91387, MedGen C4707243, MONDO:0019625.

Submissions (3):

Ambry Genetics
Classification: Uncertain significance for Familial thoracic aortic aneurysm and aortic dissection. Last evaluated: 2025-04-14. Review status: criteria provided, single submitter. Criteria: Ambry Variant Classification Scheme 2023. Collection method: clinical testing. Allele origin: germline.
Comment: The p.S328G variant (also known as c.982A>G), located in coding exon 14 of the COL3A1 gene, results from an A to G substitution at nucleotide position 982. The serine at codon 328 is replaced by glycine, an amino acid with similar properties. This amino acid position is not well conserved in available vertebrate species. In addition, this alteration is predicted to be tolerated by in silico analysis. Based on the available evidence, the clinical significance of this variant remains unclear.

Color Diagnostics, LLC DBA Color Health
Classification: Uncertain significance for Familial thoracic aortic aneurysm and aortic dissection. Last evaluated: 2024-03-06. Review status: criteria provided, single submitter. Criteria: ACMG Guidelines, 2015. Collection method: clinical testing. Allele origin: germline.
Comment: This missense variant replaces serine with glycine at codon 328 of the COL3A1 protein. Computational prediction suggests that this variant may not impact protein structure and function (internally defined REVEL score threshold <= 0.5, PMID: 27666373). Splice site prediction tools suggest that this variant may not impact RNA splicing. To our knowledge, functional studies have not been performed for this variant. This variant has not been reported in individuals affected with cardiovascular disorders in the literature. This variant has not been identified in the general population by the Genome Aggregation Database (gnomAD). The available evidence is insufficient to determine the role of this variant in disease conclusively. Therefore, this variant is classified as a Variant of Uncertain Significance.

All of Us Research Program, National Institutes of Health
Classification: Uncertain significance for Ehlers-Danlos syndrome, type 4. Last evaluated: 2023-03-28. Review status: criteria provided, single submitter. Criteria: ACMG Guidelines, 2015. Collection method: clinical testing. Allele origin: germline. Inheritance: Autosomal dominant inheritance. Observed: 1 variant allele, 1 heterozygote.
Comment: This missense variant replaces serine with glycine at codon 328 of the COL3A1 protein. Computational prediction suggests that this variant may not impact protein structure and function (internally defined REVEL score threshold <= 0.5, PMID: 27666373). Splice site prediction tools suggest that this variant may not impact RNA splicing. To our knowledge, functional studies have not been performed for this variant. This variant has not been reported in individuals affected with cardiovascular disorders in the literature. This variant has not been identified in the general population by the Genome Aggregation Database (gnomAD). The available evidence is insufficient to determine the role of this variant in disease conclusively. Therefore, this variant is classified as a Variant of Uncertain Significance.

This study involves interpretation of variants in research participants for the purpose of population health screening. Participant phenotype was not available at the time of variant classification. Additional details can be found in publication PMID: 35346344, PMCID: PMC8962531

NM_000090.4(COL3A1):c.982A>G (p.Ser328Gly)

Gene: COL3A1 (collagen type III alpha 1 chain; plus strand). Cytogenetic location: 2q32.2.
Variant type: single nucleotide variant.
Coding change: c.982A>G on transcript NM_000090.4 (MANE Select); coding-DNA position 982, A replaced by G.
Protein change: p.Ser328Gly; replaces serine 328 with glycine.
Molecular consequence: missense variant.
Genome position (GRCh38, 1-based): chr2:188,992,214, A>G. VCF-style: chr2-188992214-A-G. GRCh37 (hg19) VCF-style: chr2-189856940-A-G.
Other names: short protein forms S328G.
Identifiers: ClinVar variation 927373 (VCV000927373.6), dbSNP rs1688204324, ClinGen allele CA349850123.
Genomic context (GRCh38, chr2:188,992,214, plus strand): 5'-AGGATATTTGATGTAAACTTCTCTTTTTAGGGTGCTCGGGGTAATGACGGTGCTCGAGGC[A>G]GTGATGGTCAACCAGTAAGTAACTTTCTATCTCTTATGTGTTGTAGGGTAATGAGAAGTT-3'
Protein context (NP_000081.2, residues 318-338): GARGNDGARG[Ser328Gly]DGQPGPPGPP